The following is an entry in ClinVar:

NM_001372106.1(DNAH10):c.7955C>T (p.Thr2652Met)

Gene: DNAH10 (dynein axonemal heavy chain 10; plus strand). Cytogenetic location: 12q24.31.
Variant type: single nucleotide variant.
Coding change: c.7955C>T on transcript NM_001372106.1 (MANE Select); coding-DNA position 7955, C replaced by T.
Protein change: p.Thr2652Met; replaces threonine 2652 with methionine.
Molecular consequence: missense variant.
Genome position (GRCh38, 1-based): chr12:123,875,247, C>T. VCF-style: chr12-123875247-C-T. GRCh37 (hg19) VCF-style: chr12-124359794-C-T.
Other names: c.7601C>T, p.Thr2534Met (NM_207437.3); short protein forms T2534M, T2652M.
Identifiers: ClinVar variation 1526396 (VCV001526396.1), dbSNP rs764317091, ClinGen allele CA6864646.

ClinVar aggregate classification (germline): Uncertain significance (1 of 4 stars; one submission).

Conditions:
Spermatogenic failure 56. Identifiers: MedGen C5561978, MONDO:0030430, OMIM 619515.

Allele frequency attached by ClinVar (database versions not stated): gnomAD exomes 0.00002 and 0.00005; ExAC 0.00005; TOPMed 0.00006; gnomAD 0.00007 and 0.00008.
gnomAD v4.1: 37 of 1,610,466 alleles (0.0023%); highest among the groups gnomAD compares: Admixed American, 0.02%; no homozygotes.

Submission:

SIB Swiss Institute of Bioinformatics
Classification: Uncertain significance for Spermatogenic failure 56. Last evaluated: 2022-03-15. Review status: criteria provided, single submitter. Criteria: ACMG Guidelines, 2015. Collection method: curation. Allele origin: unknown.
Comment: This variant is interpreted as a variant of uncertain significance for Spermatogenic failure 56, autosomal recessive. The following ACMG Tag(s) were applied: Absent from controls (or at extremely low frequency if recessive) in Exome Sequencing Project, 1000 Genomes Project, or Exome Aggregation Consortium (PM2); Multiple lines of computational evidence support a deleterious effect on the gene or gene product (PP3).

Literature cited by the submitters: PubMed 34237282.